The following is an entry in ClinVar:

ClinVar aggregate classification (germline): Uncertain significance (1 of 4 stars; one submission).

Conditions:
Curry-Hall syndrome (WAD). Also called: WEYERS ACRODENTAL DYSOSTOSIS. Identifiers: Orphanet 952, MedGen C0457013, MONDO:0008673, OMIM 193530.
Ellis-van Creveld syndrome (EVC). Also called: EVC-Related Ellis-van Creveld Syndrome; EVC2-Related Ellis-van Creveld Syndrome; MESOECTODERMAL DYSPLASIA; Chondroectodermal dysplasia. Identifiers: Orphanet 289, MedGen C0013903, MONDO:0009162, OMIM 225500.

Allele frequency attached by ClinVar (database versions not stated): gnomAD exomes below 0.00001.

Submission:

Labcorp Genetics (formerly Invitae), Labcorp
Classification: Uncertain significance for Curry-Hall syndrome; Ellis-van Creveld syndrome. Last evaluated: 2023-02-10. Review status: criteria provided, single submitter. Criteria: Invitae Variant Classification Sherloc (09022015). Collection method: clinical testing. Allele origin: germline.
Comment: This sequence change replaces histidine, which is basic and polar, with tyrosine, which is neutral and polar, at codon 179 of the EVC protein (p.His179Tyr). This variant is present in population databases (no rsID available, gnomAD 0.0009%). This variant has not been reported in the literature in individuals affected with EVC-related conditions. Advanced modeling of protein sequence and biophysical properties (such as structural, functional, and spatial information, amino acid conservation, physicochemical variation, residue mobility, and thermodynamic stability) performed at Invitae indicates that this missense variant is expected to disrupt EVC protein function. In summary, the available evidence is currently insufficient to determine the role of this variant in disease. Therefore, it has been classified as a Variant of Uncertain Significance.

NM_153717.3(EVC):c.535C>T (p.His179Tyr)

Gene: EVC (EvC ciliary complex subunit 1; plus strand). Cytogenetic location: 4p16.2.
Variant type: single nucleotide variant.
Coding change: c.535C>T on transcript NM_153717.3 (MANE Select); coding-DNA position 535, C replaced by T.
Protein change: p.His179Tyr; replaces histidine 179 with tyrosine.
Molecular consequence: missense variant.
Genome position (GRCh38, 1-based): chr4:5,731,575, C>T. VCF-style: chr4-5731575-C-T. GRCh37 (hg19) VCF-style: chr4-5733302-C-T.
Other names: c.535C>T, p.His179Tyr (NM_001306090.2, NM_001306092.2); short protein forms H179Y.
Identifiers: ClinVar variation 2929330 (VCV002929330.3), dbSNP rs1462719842, ClinGen allele CA356142888.